The following is an entry in ClinVar:

NM_016284.5(CNOT1):c.1744G>A (p.Val582Ile)

Gene: CNOT1 (CCR4-NOT transcription complex subunit 1; minus strand). Cytogenetic location: 16q21.
Variant type: single nucleotide variant.
Coding change: c.1744G>A on transcript NM_016284.5 (MANE Select); coding-DNA position 1744, G replaced by A.
Protein change: p.Val582Ile; replaces valine 582 with isoleucine.
Molecular consequence: missense variant. On other transcripts: non-coding transcript variant (1).
Genome position (GRCh38, 1-based): chr16:58,575,090, C>T on the plus strand (G>A on the coding strand, the complement: CNOT1 is on the minus strand). VCF-style: chr16-58575090-C-T. GRCh37 (hg19) VCF-style: chr16-58608994-C-T.
Other names: c.1744G>A, p.Val582Ile (NM_001265612.2, NM_206999.3); short protein forms V582I.
Identifiers: ClinVar variation 2771812 (VCV002771812.3), dbSNP rs2544052184, ClinGen allele CA396140243.

ClinVar aggregate classification (germline): Uncertain significance (1 of 4 stars; one submission).

Submission:

Labcorp Genetics (formerly Invitae), Labcorp
Classification: Uncertain significance. Last evaluated: 2023-11-02. Review status: criteria provided, single submitter. Criteria: Invitae Variant Classification Sherloc (09022015). Collection method: clinical testing. Allele origin: germline.
Comment: This sequence change replaces valine, which is neutral and non-polar, with isoleucine, which is neutral and non-polar, at codon 582 of the CNOT1 protein (p.Val582Ile). This variant is not present in population databases (gnomAD no frequency). This variant has not been reported in the literature in individuals affected with CNOT1-related conditions. An algorithm developed to predict the effect of missense changes on protein structure and function (PolyPhen-2) suggests that this variant is likely to be tolerated. In summary, the available evidence is currently insufficient to determine the role of this variant in disease. Therefore, it has been classified as a Variant of Uncertain Significance.